The following is an entry in ClinVar:

ClinVar aggregate classification (germline): Uncertain significance. Review status: criteria provided, multiple submitters, no conflicts (2 of 4 stars). 2 submissions from 2 submitters: Uncertain significance (2). Last evaluated 2026-01-04.

Conditions:
Hereditary cancer-predisposing syndrome. Also called: Neoplastic Syndromes, Hereditary; Hereditary Cancer Syndrome; Hereditary neoplastic syndrome; Tumor predisposition. Identifiers: Orphanet 140162, MedGen C0027672, MeSH D009386, MONDO:0015356.

Allele frequency attached by ClinVar (database versions not stated): gnomAD exomes below 0.00001; ExAC 0.00001.
gnomAD v4.1: 1 of 1,614,072 alleles (0.000062%); highest among the groups gnomAD compares: East Asian, 0.0022%; no homozygotes.

Submissions (2):

Labcorp Genetics (formerly Invitae), Labcorp
Classification: Uncertain significance. Last evaluated: 2026-01-04. Review status: criteria provided, single submitter. Criteria: Invitae Variant Classification Sherloc (09022015). Collection method: clinical testing. Allele origin: germline.
Comment: This sequence change replaces aspartic acid, which is acidic and polar, with histidine, which is basic and polar, at codon 162 of the POLE protein (p.Asp162His). This variant is present in population databases (rs759492756, gnomAD 0.006%). This variant has not been reported in the literature in individuals affected with POLE-related conditions. ClinVar contains an entry for this variant (Variation ID: 540664). Invitae Evidence Modeling of protein sequence and biophysical properties (such as structural, functional, and spatial information, amino acid conservation, physicochemical variation, residue mobility, and thermodynamic stability) indicates that this missense variant is not expected to disrupt POLE protein function with a negative predictive value of 80%. In summary, the available evidence is currently insufficient to determine the role of this variant in disease. Therefore, it has been classified as a Variant of Uncertain Significance.

Ambry Genetics
Classification: Uncertain significance for Hereditary cancer-predisposing syndrome. Last evaluated: 2025-07-18. Review status: criteria provided, single submitter. Criteria: Ambry Variant Classification Scheme 2023. Collection method: clinical testing. Allele origin: germline.
Comment: The p.D162H variant (also known as c.484G>C), located in coding exon 6 of the POLE gene, results from a G to C substitution at nucleotide position 484. The aspartic acid at codon 162 is replaced by histidine, an amino acid with similar properties. This amino acid position is highly conserved in available vertebrate species. In addition, the in silico prediction for this alteration is inconclusive. Based on the available evidence, the clinical significance of this variant remains unclear.

NM_006231.4(POLE):c.484G>C (p.Asp162His)

Gene: POLE (DNA polymerase epsilon, catalytic subunit; minus strand). Cytogenetic location: 12q24.33.
Variant type: single nucleotide variant.
Coding change: c.484G>C on transcript NM_006231.4 (MANE Select); coding-DNA position 484, G replaced by C.
Protein change: p.Asp162His; replaces aspartic acid 162 with histidine.
Molecular consequence: missense variant.
Genome position (GRCh38, 1-based): chr12:132,679,591, C>G on the plus strand (G>C on the coding strand, the complement: POLE is on the minus strand). VCF-style: chr12-132679591-C-G. GRCh37 (hg19) VCF-style: chr12-133256177-C-G.
Other names: c.484G>C (NM_006231.2); short protein forms D162H.
Identifiers: ClinVar variation 540664 (VCV000540664.12), dbSNP rs759492756, ClinGen allele CA6894303.